The following is an entry in ClinVar:

NM_007294.4(BRCA1):c.1224del (p.Lys408_Val409insTer)

Gene: BRCA1 (BRCA1 DNA repair associated; minus strand). Cytogenetic location: 17q21.31.
Variant type: Deletion.
Coding change: c.1224del on transcript NM_007294.4 (MANE Select); coding-DNA position 1224, one base deleted (A; older notation c.1224delA).
Protein change: p.Lys408_Val409insTer.
Molecular consequence: frameshift variant. On other transcripts: nonsense (2), intron variant (137).
Genome position (GRCh38, 1-based): chr17:43,094,307, T deleted on the plus strand (A on the coding strand, the reverse complement: BRCA1 is on the minus strand); the first of 3 consecutive T bases (chr17:43,094,307-43,094,309); deleting any one gives the same sequence. VCF-style (leftmost placement, unchanged base first): chr17-43094306-CT-C. GRCh37 (hg19) VCF-style: chr17-41246323-CT-C.
Other names: c.1224delA (NM_007294.3, NM_007300.3); c.1011del, p.Lys337_Val338insTer (NM_001407571.1, NM_001407853.1, NM_001407894.1 and 9 more transcripts); c.1224del, p.Lys408_Val409insTer (NM_001407581.1, NM_001407582.1, NM_001407583.1 and 30 more transcripts); c.1221del, p.Lys407_Val408insTer (NM_001407587.1, NM_001407590.1, NM_001407591.1 and 22 more transcripts); c.1215del, p.Lys405_Val406insTer (NM_001407646.1, NM_001407647.1); c.1101del, p.Lys367_Val368insTer (NM_001407648.1, NM_001407664.1, NM_001407665.1 and 19 more transcripts); c.1098del, p.Lys366_Val367insTer (NM_001407649.1, NM_001407670.1, NM_001407671.1 and 11 more transcripts); c.1146del, p.Lys382_Val383insTer (NM_001407653.1, NM_001407654.1, NM_001407655.1 and 4 more transcripts); and 42 more.
Identifiers: ClinVar variation 252436 (VCV000252436.23), dbSNP rs879255320, ClinGen allele CA10585942.

ClinVar aggregate classification (germline): Pathogenic. Review status: reviewed by expert panel (3 of 4 stars). 11 submissions from 11 submitters: Pathogenic (1). 10 of the submissions do not count toward it. Last evaluated 2017-12-15.

Conditions:
BRCA1-related disorder. Also called: BRCA1-related condition.
Hereditary breast ovarian cancer syndrome. Also called: Hereditary breast and ovarian cancer syndrome (HBOC); Breast and ovarian cancer; Hereditary breast and ovarian cancer syndrome; Hereditary breast and ovarian cancer; BRCA1- and BRCA2-Associated Hereditary Breast and Ovarian Cancer; Hereditary breast and/or ovarian cancer syndrome. Identifiers: Orphanet 145, MedGen C0677776, MeSH D061325, MONDO:0003582. Disease mechanism: loss of function.
Breast-ovarian cancer, familial, susceptibility to, 1 (BROVCA1). Also called: BRCA1 Hereditary Breast and Ovarian Cancer; OVARIAN CANCER, SUSCEPTIBILITY TO. Identifiers: Orphanet 145, MedGen C2676676, MONDO:0011450, OMIM 604370. Disease mechanism: loss of function.
Hereditary cancer-predisposing syndrome. Also called: Hereditary Cancer Syndrome; Neoplastic Syndromes, Hereditary; Hereditary neoplastic syndrome; Tumor predisposition. Identifiers: Orphanet 140162, MedGen C0027672, MeSH D009386, MONDO:0015356.
Familial cancer of breast. Also called: BREAST CANCER, FAMILIAL; hereditary breast carcinoma; Hereditary breast cancer. Identifiers: Orphanet 227535, MedGen C0346153, MONDO:0016419, OMIM 114480. Disease mechanism: loss of function.

Submissions (11):

Evidence-based Network for the Interpretation of Germline Mutant Alleles (ENIGMA)
Classification: Pathogenic for Breast-ovarian cancer, familial, susceptibility to, 1. Last evaluated: 2017-12-15. Review status: reviewed by expert panel. Criteria: ENIGMA BRCA1/2 Classification Criteria (2017-06-29). Collection method: curation. Allele origin: germline. Study: ENIGMA.
Comment: Variant allele predicted to encode a truncated non-functional protein.

Women's Health and Genetics/Laboratory Corporation of America, LabCorp
Classification: Pathogenic for Hereditary breast ovarian cancer syndrome. Last evaluated: 2025-12-10. Review status: criteria provided, single submitter. Criteria: LabCorp Variant Classification Summary - May 2015. Collection method: clinical testing. Allele origin: germline. Not counted in ClinVar's aggregate classification.
Comment: Variant summary: BRCA1 c.1224delA (p.Val409X) results in a premature termination codon, predicted to cause a truncation of the encoded protein or absence of the protein due to nonsense mediated decay, which are commonly known mechanisms for disease. The variant was absent in 250798 control chromosomes. c.1224delA has been observed in individual(s) affected with clinical features of and/or undergoing genetic testing for Hereditary Breast And Ovarian Cancer Syndrome (example, Shohdy_2025). The following publication has been ascertained in the context of this evaluation (PMID: 40714512). ClinVar contains an entry for this variant (Variation ID: 252436). Based on the evidence outlined above, the variant was classified as pathogenic.

Labcorp Genetics (formerly Invitae), Labcorp
Classification: Pathogenic for Hereditary breast ovarian cancer syndrome. Last evaluated: 2025-04-21. Review status: criteria provided, single submitter. Criteria: Invitae Variant Classification Sherloc (09022015). Collection method: clinical testing. Allele origin: germline. Not counted in ClinVar's aggregate classification.
Comment: This sequence change creates a premature translational stop signal (p.Val409*) in the BRCA1 gene. It is expected to result in an absent or disrupted protein product. Loss-of-function variants in BRCA1 are known to be pathogenic (PMID: 20104584). This variant is not present in population databases (gnomAD no frequency). This premature translational stop signal has been observed in individual(s) with hereditary breast and ovarian cancer (PMID: 24249303). This variant is also known as 1343delA. ClinVar contains an entry for this variant (Variation ID: 252436). For these reasons, this variant has been classified as Pathogenic.

GeneDx
Classification: Pathogenic. Last evaluated: 2023-11-08. Review status: criteria provided, single submitter. Criteria: GeneDx Variant Classification Process June 2021. Collection method: clinical testing. Allele origin: germline. Affected: yes. Not counted in ClinVar's aggregate classification.
Comment: Nonsense variant predicted to result in protein truncation or nonsense mediated decay in a gene for which loss of function is a known mechanism of disease; Truncating variants in this gene are considered pathogenic by a well-established clinical consortium and/or database; Not observed at significant frequency in large population cohorts (gnomAD); Also known as 1343del; This variant is associated with the following publications: (PMID: 24249303, 26187060, 31368036, 29176636, 33067490, 20104584, 34296289)

Blueprint Genetics
Classification: Pathogenic for BRCA1-related disorders. Last evaluated: 2023-07-03. Review status: criteria provided, single submitter. Criteria: ACMG Guidelines, 2015. Collection method: clinical testing. Allele origin: germline. Affected: yes. Observed: 1 variant allele. Not counted in ClinVar's aggregate classification.

AiLife Diagnostics
Classification: Pathogenic. Last evaluated: 2022-02-24. Review status: criteria provided, single submitter. Criteria: ACMG Guidelines, 2015. Collection method: clinical testing. Allele origin: germline. Affected: yes. Observed: 1 variant allele. Not counted in ClinVar's aggregate classification.

Ambry Genetics
Classification: Pathogenic for Hereditary cancer-predisposing syndrome. Last evaluated: 2022-01-11. Review status: criteria provided, single submitter. Criteria: Ambry Variant Classification Scheme 2023. Collection method: clinical testing. Allele origin: germline. Not counted in ClinVar's aggregate classification.
Comment: The c.1224delA pathogenic mutation, located in coding exon 9 of the BRCA1 gene, results from a deletion of one nucleotide at nucleotide position 1224, causing a translational frameshift with a predicted alternate stop codon (p.V409*). This alteration has been identified in multiple individuals diagnosed with breast and/or ovarian cancer (Arai M et al. J Hum Genet, 2018 Apr;63:447-457; Bernstein-Molho R et al. Breast Cancer Res Treat, 2019 Nov;178:231-237). This variant is considered to be rare based on population cohorts in the Genome Aggregation Database (gnomAD). In addition to the clinical data presented in the literature, this alteration is expected to result in loss of function by premature protein truncation or nonsense-mediated mRNA decay. As such, this alteration is interpreted as a disease-causing mutation.

Color Diagnostics, LLC DBA Color Health
Classification: Pathogenic for Hereditary cancer-predisposing syndrome. Last evaluated: 2020-04-28. Review status: criteria provided, single submitter. Criteria: ACMG Guidelines, 2015. Collection method: clinical testing. Allele origin: germline. Not counted in ClinVar's aggregate classification.
Comment: This variant deletes 1 nucleotide in exon 10 of the BRCA1 gene, creating a premature translation stop signal. This variant is expected to result in an absent or non-functional protein product. This variant has been reported in an individual affected with breast and/or ovarian cancer (PMID: 24249303, 26187060). This variant has not been identified in the general population by the Genome Aggregation Database (gnomAD). Loss of BRCA1 function is a known mechanism of disease. Based on the available evidence, this variant is classified as Pathogenic.

Baylor Genetics
Classification: Pathogenic for Familial cancer of breast. Last evaluated: 2017-02-23. Review status: criteria provided, single submitter. Criteria: ACMG Guidelines, 2015. Collection method: clinical testing. Allele origin: germline. Inheritance: Autosomal dominant inheritance. Affected: yes. Observed: 1 variant allele. Not counted in ClinVar's aggregate classification.

GeneKor MSA
Classification: Pathogenic. Last evaluated: 2016-07-01. Review status: criteria provided, single submitter. Criteria: ACMG Guidelines, 2015. Collection method: clinical testing. Allele origin: germline. Not counted in ClinVar's aggregate classification.

KCCC/NGS Laboratory, Kuwait Cancer Control Center
Classification: Pathogenic for Breast-ovarian cancer, familial, susceptibility to, 1. Last evaluated: 2023-05-05. Review status: no assertion criteria provided. Collection method: clinical testing. Allele origin: germline. Affected: yes. Not counted in ClinVar's aggregate classification.
Comment: A pathogenic mutation was detected in the BRCA1 gene (p.Val409fs). This mutation causes a frameshift.

Literature cited by the submitters: PubMed 40714512 (cited by Women's Health and Genetics/Laboratory Corporation of America, LabCorp); PubMed 20104584 (cited by Labcorp Genetics (formerly Invitae), Labcorp and KCCC/NGS Laboratory, Kuwait Cancer Control Center); PubMed 24249303 (cited by Labcorp Genetics (formerly Invitae), Labcorp and AiLife Diagnostics); PubMed 33067490 (cited by AiLife Diagnostics); PubMed 29176636 (cited by AiLife Diagnostics and Ambry Genetics); PubMed 31368036 (cited by Ambry Genetics).